The following is an entry in ClinVar:

NM_033087.4(ALG2):c.348+495A>G

Gene: ALG2 (ALG2 alpha-1,3/1,6-mannosyltransferase; minus strand). Cytogenetic location: 9q22.33.
Variant type: single nucleotide variant.
Coding change: c.348+495A>G on transcript NM_033087.4 (MANE Select); 495 bases into the intron after coding-DNA position 348, A replaced by G.
Molecular consequence: intron variant. On other transcripts: non-coding transcript variant (1).
Genome position (GRCh38, 1-based): chr9:99,221,052, T>C on the plus strand (A>G on the coding strand, the complement: ALG2 is on the minus strand). VCF-style: chr9-99221052-T-C. GRCh37 (hg19) VCF-style: chr9-101983334-T-C.
Identifiers: ClinVar variation 2579068 (VCV002579068.25), dbSNP rs113436871, ClinGen allele CA5156377.

ClinVar aggregate classification (germline): Benign (1 of 4 stars; one submission).

Allele frequency attached by ClinVar (database versions not stated): ExAC 0.00105; gnomAD 0.00412; ESP Exome Variant Server 0.00453; TOPMed 0.00472; 1000 Genomes Project 0.00539; 1000 Genomes Project 30x 0.00593.
gnomAD v4.1: 1,115 of 1,354,652 alleles (0.082%); highest among the groups gnomAD compares: African/African-American, 1.5%; 14 homozygotes.

Submission:

CeGaT Center for Human Genetics Tuebingen
Classification: Benign. Last evaluated: 2024-09-01. Review status: criteria provided, single submitter. Criteria: CeGaT Center For Human Genetics Tuebingen Variant Classification Criteria Version 2. Collection method: clinical testing. Allele origin: germline. Affected: yes. Observed: 3 variant alleles.
Comment: ALG2: BP4, BS1, BS2